The following is an entry in ClinVar:

ClinVar aggregate classification (germline): Uncertain significance. Review status: criteria provided, multiple submitters, no conflicts (2 of 4 stars). 2 submissions from 2 submitters: Uncertain significance (2). Last evaluated 2024-10-14.

Conditions:
Dilated cardiomyopathy 1G (CMD1G). Identifiers: Orphanet 154, MedGen C1858763, MONDO:0011400, OMIM 604145.
Autosomal recessive limb-girdle muscular dystrophy type 2J (LGMDR10). Also called: Limb-girdle muscular dystrophy, type 2J; MUSCULAR DYSTROPHY, LIMB-GIRDLE, AUTOSOMAL RECESSIVE 10. Identifiers: Orphanet 140922, MedGen C1837342, MONDO:0012127, OMIM 608807.

Allele frequency attached by ClinVar (database versions not stated): ExAC 0.00001; gnomAD 0.00001; gnomAD exomes 0.00001 and 0.00002; TOPMed 0.00001; ESP Exome Variant Server 0.00008.
gnomAD v4.1: 27 of 1,604,398 alleles (0.0017%); highest among the groups gnomAD compares: Non-Finnish European, 0.0021%; no homozygotes.

Submissions (2):

GeneDx
Classification: Uncertain significance. Last evaluated: 2024-10-14. Review status: criteria provided, single submitter. Criteria: GeneDx Variant Classification Process June 2021. Collection method: clinical testing. Allele origin: germline. Affected: yes.
Comment: Not observed at significant frequency in large population cohorts (gnomAD); Missense variant in a gene in which most reported pathogenic variants are truncating/loss of function; Has not been previously published as pathogenic or benign to our knowledge

Labcorp Genetics (formerly Invitae), Labcorp
Classification: Uncertain significance for Dilated cardiomyopathy 1G; Autosomal recessive limb-girdle muscular dystrophy type 2J. Last evaluated: 2016-10-08. Review status: criteria provided, single submitter. Criteria: Invitae Variant Classification Sherloc (09022015). Collection method: clinical testing. Allele origin: germline.

NM_001267550.2(TTN):c.89170G>A (p.Glu29724Lys)

Genes: TTN-AS1 (TTN antisense RNA 1; plus strand), TTN (titin; minus strand). Cytogenetic location: 2q31.2.
Variant type: single nucleotide variant.
Coding change: c.89170G>A on transcript NM_001267550.2 (MANE Select); coding-DNA position 89170, G replaced by A.
Protein change: p.Glu29724Lys; replaces glutamic acid 29724 with lysine.
Molecular consequence: missense variant.
Genome position (GRCh38, 1-based): chr2:178,553,941, C>T on the plus strand (G>A on the coding strand, the complement: TTN is on the minus strand). VCF-style: chr2-178553941-C-T. GRCh37 (hg19) VCF-style: chr2-179418668-C-T.
Other names: c.84247G>A, p.Glu28083Lys (NM_001256850.1); c.61975G>A, p.Glu20659Lys (NM_003319.4); c.81466G>A, p.Glu27156Lys (NM_133378.4); c.62350G>A, p.Glu20784Lys (NM_133432.3); c.62551G>A, p.Glu20851Lys (NM_133437.4); c.89170G>A (NM_001267550.1); short protein forms E29724K, E20659K, E20784K, E20851K, E27156K, E28083K.
Identifiers: ClinVar variation 405083 (VCV000405083.4), dbSNP rs370918981, ClinGen allele CA1987978.